The following is an entry in ClinVar:

ClinVar aggregate classification (germline): Benign. Review status: criteria provided, multiple submitters, no conflicts (2 of 4 stars). 2 submissions from 2 submitters: Benign (2). Last evaluated 2018-06-14.

Allele frequency attached by ClinVar (database versions not stated): gnomAD 0.12767 and 0.12634; 1000 Genomes Project 0.15575; 1000 Genomes Project 30x 0.15787.
gnomAD v4.1: 19,319 of 152,160 alleles (13%); highest among the groups gnomAD compares: African/African-American, 22%; 1,570 homozygotes.

Submissions (2):

GeneDx
Classification: Benign. Last evaluated: 2018-06-14. Review status: criteria provided, single submitter. Criteria: GeneDx Variant Classification (06012015). Collection method: clinical testing. Allele origin: germline. Affected: yes.
Comment: This variant is considered likely benign or benign based on one or more of the following criteria: it is a conservative change, it occurs at a poorly conserved position in the protein, it is predicted to be benign by multiple in silico algorithms, and/or has population frequency not consistent with disease.

Breakthrough Genomics
Classification: Benign. Review status: criteria provided, single submitter. Criteria: ACMG Guidelines, 2015. Collection method: not provided. Allele origin: germline. Inheritance: Autosomal dominant inheritance. Affected: yes.

NM_021625.5(TRPV4):c.853+158T>C

Gene: TRPV4 (transient receptor potential cation channel subfamily V member 4; minus strand). Cytogenetic location: 12q24.11.
Variant type: single nucleotide variant.
Coding change: c.853+158T>C on transcript NM_021625.5 (MANE Select); 158 bases into the intron after coding-DNA position 853, T replaced by C.
Molecular consequence: intron variant.
Genome position (GRCh38, 1-based): chr12:109,800,460, A>G on the plus strand (T>C on the coding strand, the complement: TRPV4 is on the minus strand). VCF-style: chr12-109800460-A-G. GRCh37 (hg19) VCF-style: chr12-110238265-A-G.
Other names: c.713-1548T>C (NM_001177433.1, NM_001177428.1); c.853+158T>C (NM_147204.2); c.751+158T>C (NM_001177431.1).
Identifiers: ClinVar variation 670251 (VCV000670251.2), dbSNP rs16940583, ClinGen allele CA13695955.